The following is an entry in ClinVar:

ClinVar aggregate classification (germline): Uncertain significance (1 of 4 stars; one submission).

Conditions:
Inborn genetic diseases. Identifiers: MedGen C0950123, MeSH D030342.

Submission:

Ambry Genetics
Classification: Uncertain significance for Inborn genetic diseases. Last evaluated: 2024-08-03. Review status: criteria provided, single submitter. Criteria: Ambry Variant Classification Scheme 2023. Collection method: clinical testing. Allele origin: germline.
Comment: The p.F166V variant (also known as c.496T>G), located in coding exon 5 of the RAD51 gene, results from a T to G substitution at nucleotide position 496. The phenylalanine at codon 166 is replaced by valine, an amino acid with highly similar properties. This amino acid position is conserved. In addition, this alteration is predicted to be deleterious by in silico analysis. Based on the available evidence, the clinical significance of this variant remains unclear.

NM_002875.5(RAD51):c.496T>G (p.Phe166Val)

Gene: RAD51 (RAD51 recombinase; plus strand). Cytogenetic location: 15q15.1.
Variant type: single nucleotide variant.
Coding change: c.496T>G on transcript NM_002875.5 (MANE Select); coding-DNA position 496, T replaced by G.
Protein change: p.Phe166Val; replaces phenylalanine 166 with valine.
Molecular consequence: missense variant.
Genome position (GRCh38, 1-based): chr15:40,718,865, T>G. VCF-style: chr15-40718865-T-G. GRCh37 (hg19) VCF-style: chr15-41011063-T-G.
Other names: c.499T>G, p.Phe167Val (NM_001164269.2, NM_133487.4); c.496T>G, p.Phe166Val (NM_001164270.2); short protein forms F166V, F167V.
Identifiers: ClinVar variation 3429549 (VCV003429549.1).
Genomic context (GRCh38, chr15:40,718,865, plus strand): 5'-CTTCCCATTGACCGGGGTGGAGGTGAAGGAAAGGCCATGTACATTGACACTGAGGGTACC[T>G]TTAGGCCAGAACGGCTGCTGGCAGTGGCTGAGAGGTAGGTTACTGGTTTAGATAAGAGAG-3'
Protein context (NP_002866.2, residues 156-176): KAMYIDTEGT[Phe166Val]RPERLLAVAE